The following is an entry in ClinVar:

ClinVar aggregate classification (germline): Uncertain significance. Review status: criteria provided, multiple submitters, no conflicts (2 of 4 stars). 2 submissions from 2 submitters: Uncertain significance (2). Last evaluated 2026-02-28.

Conditions:
Inborn genetic diseases. Identifiers: MedGen C0950123, MeSH D030342.

Submissions (2):

Ambry Genetics
Classification: Uncertain significance for Inborn genetic diseases. Last evaluated: 2026-02-28. Review status: criteria provided, single submitter. Criteria: Ambry Variant Classification Scheme 2023. Collection method: clinical testing. Allele origin: germline.

GeneDx
Classification: Uncertain significance. Last evaluated: 2022-12-29. Review status: criteria provided, single submitter. Criteria: GeneDx Variant Classification Process June 2021. Collection method: clinical testing. Allele origin: germline. Affected: yes.
Comment: Not observed at significant frequency in large population cohorts (gnomAD); In silico analysis supports that this missense variant does not alter protein structure/function; In silico analysis is inconclusive as to whether the variant alters gene splicing. In the absence of RNA/functional studies, the actual effect of this sequence change is unknown.; Has not been previously published as pathogenic or benign to our knowledge

NM_014874.4(MFN2):c.1003A>T (p.Met335Leu)

Gene: MFN2 (mitofusin 2; plus strand). Cytogenetic location: 1p36.22.
Variant type: single nucleotide variant.
Coding change: c.1003A>T on transcript NM_014874.4 (MANE Select); coding-DNA position 1003, A replaced by T.
Protein change: p.Met335Leu; replaces methionine 335 with leucine.
Molecular consequence: missense variant.
Genome position (GRCh38, 1-based): chr1:12,001,801, A>T. VCF-style: chr1-12001801-A-T. GRCh37 (hg19) VCF-style: chr1-12061858-A-T.
Other names: c.1003A>T, p.Met335Leu (NM_001127660.2); short protein forms M335L.
Identifiers: ClinVar variation 2507324 (VCV002507324.2), dbSNP rs1557527886, ClinGen allele CA338442294.